The following is an entry in ClinVar:

ClinVar aggregate classification (germline): Uncertain significance (1 of 4 stars; one submission).

Conditions:
Fanconi anemia (FA). Also called: Fanconi's anemia. Identifiers: Orphanet 84, MedGen C0015625, MeSH D005199, MONDO:0019391.

Allele frequency attached by ClinVar (database versions not stated): ExAC 0.00001; gnomAD exomes 0.00001; TOPMed 0.00002.
gnomAD v4.1: 15 of 1,613,928 alleles (0.00093%); highest among the groups gnomAD compares: South Asian, 0.0022%; no homozygotes.

Submission:

Labcorp Genetics (formerly Invitae), Labcorp
Classification: Uncertain significance for Fanconi anemia. Last evaluated: 2024-07-30. Review status: criteria provided, single submitter. Criteria: Invitae Variant Classification Sherloc (09022015). Collection method: clinical testing. Allele origin: germline.
Comment: This sequence change affects codon 926 of the FANCA mRNA. It is a 'silent' change, meaning that it does not change the encoded amino acid sequence of the FANCA protein. It affects a nucleotide within the consensus splice site. This variant is present in population databases (rs765025976, gnomAD 0.006%). This variant has not been reported in the literature in individuals affected with FANCA-related conditions. ClinVar contains an entry for this variant (Variation ID: 1905047). Algorithms developed to predict the effect of sequence changes on RNA splicing suggest that this variant is not likely to affect RNA splicing. In summary, the available evidence is currently insufficient to determine the role of this variant in disease. Therefore, it has been classified as a Variant of Uncertain Significance.

NM_000135.4(FANCA):c.2778C>T (p.His926=)

Gene: FANCA (FA complementation group A; minus strand). Cytogenetic location: 16q24.3.
Variant type: single nucleotide variant.
Coding change: c.2778C>T on transcript NM_000135.4 (MANE Select); coding-DNA position 2778, C replaced by T.
Protein change: p.His926=; no amino-acid change (histidine 926 retained).
Molecular consequence: synonymous variant.
Genome position (GRCh38, 1-based): chr16:89,764,890, G>A on the plus strand (C>T on the coding strand, the complement: FANCA is on the minus strand). VCF-style: chr16-89764890-G-A. GRCh37 (hg19) VCF-style: chr16-89831298-G-A.
Other names: c.2778C>T, p.His926= (NM_001286167.3).
Identifiers: ClinVar variation 1905047 (VCV001905047.3), dbSNP rs765025976, ClinGen allele CA8251573.
Genomic context (GRCh38, chr16:89,764,890, plus strand): 5'-GCACACACAAACCCTAGACTCAGGACGTGGCATGATGCAGGAGAAGGAACGGTCACCTAC[G>A]TGAACATCTTCCTCTTTCAACACCTCTCGGAAGGTTCTGTGTGTCCAGAGAGAGAGGGCA-3'
Protein context (NP_000126.2, residues 916-936): FREVLKEEDV[His926=]LTYQDWLHLE